The following is an entry in ClinVar:

ClinVar aggregate classification (germline): Uncertain significance (1 of 4 stars; one submission).

Conditions:
Hereditary cancer-predisposing syndrome. Also called: Neoplastic Syndromes, Hereditary; Tumor predisposition; Hereditary neoplastic syndrome; Hereditary Cancer Syndrome. Identifiers: Orphanet 140162, MedGen C0027672, MeSH D009386, MONDO:0015356.

Submission:

Ambry Genetics
Classification: Uncertain significance for Hereditary cancer-predisposing syndrome. Last evaluated: 2019-07-23. Review status: criteria provided, single submitter. Criteria: Ambry Variant Classification Scheme 2023. Collection method: clinical testing. Allele origin: germline.
Comment: The p.E139D variant (also known as c.417G>C), located in coding exon 2 of the PHOX2B gene, results from a G to C substitution at nucleotide position 417. The glutamic acid at codon 139 is replaced by aspartic acid, an amino acid with highly similar properties. This amino acid position is highly conserved in available vertebrate species. In addition, this alteration is predicted to be deleterious by in silico analysis. Since supporting evidence is limited at this time, the clinical significance of this alteration remains unclear.

NM_003924.4(PHOX2B):c.417G>C (p.Glu139Asp)

Gene: PHOX2B (paired like homeobox 2B; minus strand). Cytogenetic location: 4p13.
Variant type: single nucleotide variant.
Coding change: c.417G>C on transcript NM_003924.4 (MANE Select); coding-DNA position 417, G replaced by C.
Protein change: p.Glu139Asp; replaces glutamic acid 139 with aspartic acid.
Molecular consequence: missense variant.
Genome position (GRCh38, 1-based): chr4:41,747,361, C>G on the plus strand (G>C on the coding strand, the complement: PHOX2B is on the minus strand). VCF-style: chr4-41747361-C-G. GRCh37 (hg19) VCF-style: chr4-41749378-C-G.
Other names: short protein forms E139D.
Identifiers: ClinVar variation 824651 (VCV000824651.4), dbSNP rs1577560190, ClinGen allele CA356739791.